The following is an entry in ClinVar:

ClinVar aggregate classification (germline): Likely benign (1 of 4 stars; one submission).

Conditions:
TWF1-related condition.

Submission:

PreventionGenetics, part of Exact Sciences
Classification: Likely benign for TWF1-related condition. Last evaluated: 2026-01-14. Review status: criteria provided, single submitter. Criteria: ACMG Guidelines, 2015. Collection method: clinical testing. Allele origin: germline.
Comment: This variant is classified as likely benign based on ACMG/AMP sequence variant interpretation guidelines (Richards et al. 2015 PMID: 25741868, with internal and published modifications).

NM_002822.5(TWF1):c.379-44T>C

Genes: TMEM117 (transmembrane protein 117; plus strand), TWF1 (twinfilin actin binding protein 1; minus strand). Cytogenetic location: 12q12.
Variant type: single nucleotide variant.
Coding change: c.379-44T>C on transcript NM_002822.5 (MANE Select); 44 bases into the intron before coding-DNA position 379, T replaced by C.
Molecular consequence: intron variant.
Genome position (GRCh38, 1-based): chr12:43,799,546, A>G on the plus strand (T>C on the coding strand, the complement: TWF1 is on the minus strand). VCF-style: chr12-43799546-A-G. GRCh37 (hg19) VCF-style: chr12-44193349-A-G.
Other names: c.379-44T>C (NM_001242397.2).
Identifiers: ClinVar variation 4994457 (VCV004994457.1).
Genomic context (GRCh38, chr12:43,799,546, plus strand): 5'-TGTAATGATACATCTTCCTGTAAGTACAGAATAGACTATAATCAGTAATTCTCTAGAAGT[A>G]AAATGACAGTGAAGTTACTTTAGGAAAAACAAAATCATTAACAGAAAAGATTTTAAATGA-3'